The following is an entry in ClinVar:

ClinVar aggregate classification (germline): Uncertain significance. Review status: criteria provided, multiple submitters, no conflicts (2 of 4 stars). 2 submissions from 2 submitters: Uncertain significance (2). Last evaluated 2023-01-01.

Conditions:
Autosomal recessive limb-girdle muscular dystrophy type 2E (LGMDR4). Also called: MUSCULAR DYSTROPHY, LIMB-GIRDLE, AUTOSOMAL RECESSIVE 4. Identifiers: Orphanet 119, MedGen C1858593, MONDO:0011423, OMIM 604286. Disease mechanism: Affects gamma-sarcoglycan and also disrupts the integrity of the entire sarcoglycan complex..

Submissions (2):

CeGaT Center for Human Genetics Tuebingen
Classification: Uncertain significance. Last evaluated: 2023-01-01. Review status: criteria provided, single submitter. Criteria: CeGaT Center For Human Genetics Tuebingen Variant Classification Criteria Version 2. Collection method: clinical testing. Allele origin: germline. Affected: yes. Observed: 1 variant allele.
Comment: SGCB: PM2

Labcorp Genetics (formerly Invitae), Labcorp
Classification: Uncertain significance for Autosomal recessive limb-girdle muscular dystrophy type 2E. Last evaluated: 2021-11-13. Review status: criteria provided, single submitter. Criteria: Invitae Variant Classification Sherloc (09022015). Collection method: clinical testing. Allele origin: germline.
Comment: This variant, c.504_505delinsAG, is a complex sequence change that results in the deletion of 2 and insertion of 2 amino acid(s) in the SGCB protein (p.Met168_Gln169delinsIleGlu). Information on the frequency of this variant in the gnomAD database is not available, as this variant may be reported differently in the database. This variant has not been reported in the literature in individuals affected with SGCB-related conditions. Experimental studies and prediction algorithms are not available or were not evaluated, and the functional significance of this variant is currently unknown. In summary, the available evidence is currently insufficient to determine the role of this variant in disease. Therefore, it has been classified as a Variant of Uncertain Significance.

NM_000232.5(SGCB):c.504_505delinsAG (p.Met168_Gln169delinsIleGlu)

Gene: SGCB (sarcoglycan beta; minus strand). Cytogenetic location: 4q12.
Variant type: Indel.
Coding change: c.504_505delinsAG on transcript NM_000232.5 (MANE Select); coding-DNA positions 504 to 505, GC replaced by AG.
Protein change: p.Met168_Gln169delinsIleGlu.
Molecular consequence: missense variant.
Genome position (GRCh38, 1-based): chr4:52,028,846-52,028,847, GC replaced by CT on the plus strand (GC replaced by AG on the coding strand, the reverse complement: SGCB is on the minus strand). VCF-style: chr4-52028846-GC-CT. GRCh37 (hg19) VCF-style: chr4-52895012-GC-CT.
Identifiers: ClinVar variation 1361214 (VCV001361214.30), dbSNP rs2109371031, ClinGen allele CA2573137894.